The following is an entry in ClinVar:

NM_000264.5(PTCH1):c.351del (p.Ala118fs)

Gene: PTCH1 (patched 1; minus strand). Cytogenetic location: 9q22.32.
Variant type: Deletion.
Coding change: c.351del on transcript NM_000264.5 (MANE Select); coding-DNA position 351, one base deleted (A; older notation c.351delA).
Protein change: p.Ala118fs; shifts the reading frame from alanine 118.
Molecular consequence: frameshift variant. On other transcripts: 5 prime UTR variant (4), non-coding transcript variant (1).
Genome position (GRCh38, 1-based): chr9:95,506,450, T deleted on the plus strand (A on the coding strand, the reverse complement: PTCH1 is on the minus strand); the first of 4 consecutive T bases (chr9:95,506,450-95,506,453); deleting any one gives the same sequence. VCF-style (leftmost placement, unchanged base first): chr9-95506449-CT-C. GRCh37 (hg19) VCF-style: chr9-98268731-CT-C.
Other names: c.153del, p.Ala52fs (NM_001083602.3, NM_001354919.2); c.348del, p.Ala117fs (NM_001083603.3); c.-103del (NM_001083604.3, NM_001083605.3, NM_001083606.3 and 1 more transcripts); c.351del, p.Ala118fs (NM_001354918.2); short protein forms A117fs, A118fs, A52fs.
Identifiers: ClinVar variation 1076009 (VCV001076009.9), dbSNP rs2118875429, ClinGen allele CA2499220066.

ClinVar aggregate classification (germline): Pathogenic (1 of 4 stars; one submission).

Conditions:
Gorlin syndrome. Also called: Basal cell nevus syndrome; Nevoid Basal Cell Carcinoma Syndrome. Identifiers: Orphanet 377, MedGen C0004779, MONDO:0007187.

Submission:

Labcorp Genetics (formerly Invitae), Labcorp
Classification: Pathogenic for Gorlin syndrome. Last evaluated: 2020-10-04. Review status: criteria provided, single submitter. Criteria: Invitae Variant Classification Sherloc (09022015). Collection method: clinical testing. Allele origin: germline.
Comment: For these reasons, this variant has been classified as Pathogenic. Loss-of-function variants in PTCH1 are known to be pathogenic (PMID: 16301862, 16419085). This variant has not been reported in the literature in individuals with PTCH1-related conditions. This variant is not present in population databases (ExAC no frequency). This sequence change creates a premature translational stop signal (p.Ala118Glnfs*19) in the PTCH1 gene. It is expected to result in an absent or disrupted protein product.

Literature cited by the submitters: PubMed 16301862; PubMed 16419085.